The following is an entry in ClinVar:

NM_001291088.2(WDR87):c.1381T>C (p.Cys461Arg)

Gene: WDR87 (WD repeat domain 87; minus strand). Cytogenetic location: 19q13.13.
Variant type: single nucleotide variant.
Coding change: c.1381T>C on transcript NM_001291088.2 (MANE Select); coding-DNA position 1381, T replaced by C.
Protein change: p.Cys461Arg; replaces cysteine 461 with arginine.
Molecular consequence: missense variant.
Genome position (GRCh38, 1-based): chr19:37,894,322, A>G on the plus strand (T>C on the coding strand, the complement: WDR87 is on the minus strand). VCF-style: chr19-37894322-A-G. GRCh37 (hg19) VCF-style: chr19-38384962-A-G.
Other names: c.1264T>C, p.Cys422Arg (NM_031951.5); short protein forms C461R, C422R.
Identifiers: ClinVar variation 2039889 (VCV002039889.4), dbSNP rs1157692276, ClinGen allele CA405620551.
Genomic context (GRCh38, chr19:37,894,322, plus strand): 5'-GCCCAGAGAATATCAGTCCCTCTAGACCCCGCCCCAAGTTGAAATGCCCATAAGCCAGGC[A>G]TTGTACAAAGTCCTGAGAATTTGGTGAGGTGCCTAAGAGATACTTGGCTGGGCAAGGGCA-3'
Protein context (NP_001278017.1, residues 451-471): TSPNSQDFVQ[Cys461Arg]LAYGHFNLGR

ClinVar aggregate classification (germline): Uncertain significance (1 of 4 stars; one submission).

Allele frequency attached by ClinVar (database versions not stated): TOPMed below 0.00001.

Submission:

Labcorp Genetics (formerly Invitae), Labcorp
Classification: Uncertain significance. Last evaluated: 2022-10-17. Review status: criteria provided, single submitter. Criteria: Invitae Variant Classification Sherloc (09022015). Collection method: clinical testing. Allele origin: germline.
Comment: In summary, the available evidence is currently insufficient to determine the role of this variant in disease. Therefore, it has been classified as a Variant of Uncertain Significance. Algorithms developed to predict the effect of missense changes on protein structure and function (SIFT, PolyPhen-2, Align-GVGD) all suggest that this variant is likely to be disruptive. This variant has not been reported in the literature in individuals affected with WDR87-related conditions. This variant is not present in population databases (gnomAD no frequency). This sequence change replaces cysteine, which is neutral and slightly polar, with arginine, which is basic and polar, at codon 422 of the WDR87 protein (p.Cys422Arg).